The following is an entry in ClinVar:

ClinVar aggregate classification (germline): Uncertain significance. Review status: criteria provided, multiple submitters, no conflicts (2 of 4 stars). 4 submissions from 4 submitters: Uncertain significance (4). Last evaluated 2026-07-03.

Conditions:
Nonpapillary renal cell carcinoma. Identifiers: Orphanet 422526, MedGen CN074294, MONDO:0007763, OMIM 144700.
Familial spontaneous pneumothorax (PSP). Identifiers: Orphanet 2903, MedGen C1868193, MONDO:0008259, OMIM 173600.
Birt-Hogg-Dube syndrome 1 (BHD1). Also called: FIBROFOLLICULOMAS WITH TRICHODISCOMAS AND ACROCHORDONS. Identifiers: Orphanet 122, MedGen CN375946, MONDO:0800445, OMIM 135150.
Colorectal cancer. Also called: Malignant Colorectal Neoplasm; Colorectal cancer, somatic. Identifiers: MedGen C0346629, MONDO:0005575, OMIM 114500.
Hereditary cancer-predisposing syndrome. Also called: Hereditary Cancer Syndrome; Neoplastic Syndromes, Hereditary; Hereditary neoplastic syndrome; Tumor predisposition. Identifiers: Orphanet 140162, MedGen C0027672, MeSH D009386, MONDO:0015356.
Birt-Hogg-Dube syndrome. Also called: Birt Hogg Dubé syndrome. Identifiers: Orphanet 122, MedGen C0346010, MONDO:0800444.

Allele frequency attached by ClinVar (database versions not stated): gnomAD 0.00001; TOPMed below 0.00001.
gnomAD v4.1: 1 of 1,614,078 alleles (0.000062%); highest among the groups gnomAD compares: African/African-American, 0.0013%; no homozygotes.

Submissions (4):

Ambry Genetics
Classification: Uncertain significance for Hereditary cancer-predisposing syndrome. Last evaluated: 2026-07-03. Review status: criteria provided, single submitter. Criteria: Ambry Variant Classification Scheme 2023. Collection method: clinical testing. Allele origin: germline.

Labcorp Genetics (formerly Invitae), Labcorp
Classification: Uncertain significance for Birt-Hogg-Dube syndrome. Last evaluated: 2026-01-21. Review status: criteria provided, single submitter. Criteria: Invitae Variant Classification Sherloc (09022015). Collection method: clinical testing. Allele origin: germline.
Comment: This sequence change replaces proline, which is neutral and non-polar, with alanine, which is neutral and non-polar, at codon 216 of the FLCN protein (p.Pro216Ala). This variant is not present in population databases (gnomAD no frequency). This variant has not been reported in the literature in individuals affected with FLCN-related conditions. ClinVar contains an entry for this variant (Variation ID: 1413497). Invitae Evidence Modeling of protein sequence and biophysical properties (such as structural, functional, and spatial information, amino acid conservation, physicochemical variation, residue mobility, and thermodynamic stability) indicates that this missense variant is not expected to disrupt FLCN protein function with a negative predictive value of 80%. In summary, the available evidence is currently insufficient to determine the role of this variant in disease. Therefore, it has been classified as a Variant of Uncertain Significance.

Fulgent Genetics
Classification: Uncertain significance for Colorectal cancer; Birt-Hogg-Dube syndrome 1; Nonpapillary renal cell carcinoma; Familial spontaneous pneumothorax. Last evaluated: 2024-05-11. Review status: criteria provided, single submitter. Criteria: ACMG Guidelines, 2015. Collection method: clinical testing. Allele origin: germline.

Blueprint Genetics
Classification: Uncertain significance. Last evaluated: 2022-07-17. Review status: criteria provided, single submitter. Criteria: ACMG Guidelines, 2015. Collection method: clinical testing. Allele origin: germline.

NM_144997.7(FLCN):c.646C>G (p.Pro216Ala)

Gene: FLCN (folliculin; minus strand). Cytogenetic location: 17p11.2.
Variant type: single nucleotide variant.
Coding change: c.646C>G on transcript NM_144997.7 (MANE Select); coding-DNA position 646, C replaced by G.
Protein change: p.Pro216Ala; replaces proline 216 with alanine.
Molecular consequence: missense variant.
Genome position (GRCh38, 1-based): chr17:17,222,634, G>C on the plus strand (C>G on the coding strand, the complement: FLCN is on the minus strand). VCF-style: chr17-17222634-G-C. GRCh37 (hg19) VCF-style: chr17-17125948-G-C.
Other names: c.700C>G, p.Pro234Ala (NM_001353229.2); c.646C>G, p.Pro216Ala (NM_001353230.2, NM_001353231.2, NM_144606.7); short protein forms P216A, P234A.
Identifiers: ClinVar variation 1413497 (VCV001413497.12), dbSNP rs1274746260, ClinGen allele CA398534095.